The following is an entry in ClinVar:

NM_000179.3(MSH6):c.2534A>C (p.Tyr845Ser)

Gene: MSH6 (mutS homolog 6; plus strand). Cytogenetic location: 2p16.3.
Variant type: single nucleotide variant.
Coding change: c.2534A>C on transcript NM_000179.3 (MANE Select); coding-DNA position 2534, A replaced by C.
Protein change: p.Tyr845Ser; replaces tyrosine 845 with serine.
Molecular consequence: missense variant.
Genome position (GRCh38, 1-based): chr2:47,800,517, A>C. VCF-style: chr2-47800517-A-C. GRCh37 (hg19) VCF-style: chr2-48027656-A-C.
Other names: c.2144A>C, p.Tyr715Ser (NM_001281492.2); c.1628A>C, p.Tyr543Ser (NM_001281493.2, NM_001281494.2); short protein forms Y845S, Y543S, Y715S.
Identifiers: ClinVar variation 1513862 (VCV001513862.8), dbSNP rs1064794190, ClinGen allele CA346754477.

ClinVar aggregate classification (germline): Uncertain significance (1 of 4 stars; one submission).

Conditions:
Hereditary nonpolyposis colorectal neoplasms. Identifiers: MedGen C0009405, MeSH D003123.

Submission:

Labcorp Genetics (formerly Invitae), Labcorp
Classification: Uncertain significance for Hereditary nonpolyposis colorectal neoplasms. Last evaluated: 2021-06-17. Review status: criteria provided, single submitter. Criteria: Invitae Variant Classification Sherloc (09022015). Collection method: clinical testing. Allele origin: germline.
Comment: In summary, the available evidence is currently insufficient to determine the role of this variant in disease. Therefore, it has been classified as a Variant of Uncertain Significance. Advanced modeling of protein sequence and biophysical properties (such as structural, functional, and spatial information, amino acid conservation, physicochemical variation, residue mobility, and thermodynamic stability) performed at Invitae indicates that this missense variant is expected to disrupt MSH6 protein function. This variant has not been reported in the literature in individuals with MSH6-related conditions. This variant is not present in population databases (ExAC no frequency). This sequence change replaces tyrosine with serine at codon 845 of the MSH6 protein (p.Tyr845Ser). The tyrosine residue is moderately conserved and there is a large physicochemical difference between tyrosine and serine.